The following is an entry in ClinVar:

NM_000094.4(COL7A1):c.4895G>A (p.Arg1632Gln)

Gene: COL7A1 (collagen type VII alpha 1 chain; minus strand). Cytogenetic location: 3p21.31.
Variant type: single nucleotide variant.
Coding change: c.4895G>A on transcript NM_000094.4 (MANE Select); coding-DNA position 4895, G replaced by A.
Protein change: p.Arg1632Gln; replaces arginine 1632 with glutamine.
Molecular consequence: missense variant.
Genome position (GRCh38, 1-based): chr3:48,581,264, C>T on the plus strand (G>A on the coding strand, the complement: COL7A1 is on the minus strand). VCF-style: chr3-48581264-C-T. GRCh37 (hg19) VCF-style: chr3-48618697-C-T.
Other names: short protein forms R1632Q.
Identifiers: ClinVar variation 2143565 (VCV002143565.5), dbSNP rs775457190, ClinGen allele CA2379799.

ClinVar aggregate classification (germline): Conflicting classifications of pathogenicity. Review status: criteria provided, conflicting classifications (1 of 4 stars). 2 submissions from 2 submitters: Uncertain significance (1); Likely benign (1). Last evaluated 2025-08-21.

Allele frequency attached by ClinVar (database versions not stated): ExAC 0.00001; gnomAD 0.00001; gnomAD exomes 0.00001; TOPMed 0.00002.
gnomAD v4.1: 16 of 1,613,288 alleles (0.00099%); highest among the groups gnomAD compares: Admixed American, 0.0083%; no homozygotes.

Submissions (2):

Labcorp Genetics (formerly Invitae), Labcorp
Classification: Likely benign. Last evaluated: 2025-08-21. Review status: criteria provided, single submitter. Criteria: Invitae Variant Classification Sherloc (09022015). Collection method: clinical testing. Allele origin: germline.

GeneDx
Classification: Uncertain significance. Last evaluated: 2025-01-29. Review status: criteria provided, single submitter. Criteria: GeneDx Variant Classification Process June 2021. Collection method: clinical testing. Allele origin: germline. Affected: yes.
Comment: In silico analysis indicates that this missense variant does not alter protein structure/function; Has not been previously published as pathogenic or benign to our knowledge